The following is an entry in ClinVar:

ClinVar aggregate classification (germline): Pathogenic (1 of 4 stars; one submission).

Conditions:
Pigmentary pallidal degeneration (NBIA1). Also called: Neuroaxonal dystrophy, late infantile; Hallervorden-Spatz disease; HARP SYNDROME; PKAN NEUROAXONAL DYSTROPHY, JUVENILE-ONSET; Pantothenate Kinase-Associated Neurodegeneration; Neurodegeneration with brain iron accumulation 1. Identifiers: Orphanet 157850, MedGen C0018523, MONDO:0009319, OMIM 234200.

Allele frequency attached by ClinVar (database versions not stated): TOPMed below 0.00001; gnomAD 0.00001; gnomAD exomes 0.00001.
gnomAD v4.1: 7 of 1,614,058 alleles (0.00043%); highest among the groups gnomAD compares: Non-Finnish European, 0.00059%; no homozygotes.

Submission:

Labcorp Genetics (formerly Invitae), Labcorp
Classification: Pathogenic for Pigmentary pallidal degeneration. Last evaluated: 2023-05-11. Review status: criteria provided, single submitter. Criteria: Invitae Variant Classification Sherloc (09022015). Collection method: clinical testing. Allele origin: germline.
Comment: For these reasons, this variant has been classified as Pathogenic. Advanced modeling of protein sequence and biophysical properties (such as structural, functional, and spatial information, amino acid conservation, physicochemical variation, residue mobility, and thermodynamic stability) performed at Invitae indicates that this missense variant is expected to disrupt PANK2 protein function. ClinVar contains an entry for this variant (Variation ID: 1068023). This missense change has been observed in individual(s) with neurodegeneration with brain iron accumulation (PMID: 16437574, 21877312, 30363610; Invitae). In at least one individual the data is consistent with being in trans (on the opposite chromosome) from a pathogenic variant. This variant is not present in population databases (gnomAD no frequency). This sequence change replaces phenylalanine, which is neutral and non-polar, with serine, which is neutral and polar, at codon 228 of the PANK2 protein (p.Phe228Ser).

Literature cited by the submitters: PubMed 16437574; PubMed 21877312; PubMed 30363610.

NM_001386393.1(PANK2):c.353T>C (p.Phe118Ser)

Gene: PANK2 (pantothenate kinase 2; plus strand). Cytogenetic location: 20p13.
Variant type: single nucleotide variant.
Coding change: c.353T>C on transcript NM_001386393.1 (MANE Select); coding-DNA position 353, T replaced by C.
Protein change: p.Phe118Ser; replaces phenylalanine 118 with serine.
Molecular consequence: missense variant. On other transcripts: 5 prime UTR variant (4), non-coding transcript variant (1).
Genome position (GRCh38, 1-based): chr20:3,907,980, T>C. VCF-style: chr20-3907980-T-C. GRCh37 (hg19) VCF-style: chr20-3888627-T-C.
Other names: c.-191T>C (NM_001324191.2, NM_024960.6, NM_153640.4); c.683T>C, p.Phe228Ser (NM_001324192.1, NM_153638.4); c.-483T>C (NM_001324193.2); short protein forms F118S, F228S.
Identifiers: ClinVar variation 1068023 (VCV001068023.9), dbSNP rs1360807330, ClinGen allele CA408112255.